The following is an entry in ClinVar:

ClinVar aggregate classification (germline): Conflicting classifications of pathogenicity. Review status: criteria provided, conflicting classifications (1 of 4 stars). 3 submissions from 3 submitters: Uncertain significance (2); Likely benign (1). Last evaluated 2026-08-04.

Conditions:
Inborn genetic diseases. Identifiers: MedGen C0950123, MeSH D030342.
Facioscapulohumeral muscular dystrophy 2 (FSHD2). Also called: MUSCULAR DYSTROPHY, FACIOSCAPULOHUMERAL, TYPE 1B; FACIOSCAPULOHUMERAL MUSCULAR DYSTROPHY 2, DIGENIC; FSHD2, DIGENIC. Identifiers: Orphanet 269, MedGen C1834671, MONDO:0008031, OMIM 158901.

Allele frequency attached by ClinVar (database versions not stated): gnomAD exomes below 0.00001 and 0.00002; gnomAD 0.00002; ExAC 0.00003; TOPMed 0.00003; ESP Exome Variant Server 0.00008.
gnomAD v4.1: 8 of 1,547,798 alleles (0.00052%); highest among the groups gnomAD compares: African/African-American, 0.0028%; no homozygotes.

Submissions (3):

Ambry Genetics
Classification: Likely benign for Inborn genetic diseases. Last evaluated: 2026-08-04. Review status: criteria provided, single submitter. Criteria: Ambry Variant Classification Scheme 2023. Collection method: clinical testing. Allele origin: germline.

Labcorp Genetics (formerly Invitae), Labcorp
Classification: Uncertain significance for Facioscapulohumeral muscular dystrophy 2. Last evaluated: 2025-06-11. Review status: criteria provided, single submitter. Criteria: Invitae Variant Classification Sherloc (09022015). Collection method: clinical testing. Allele origin: germline.
Comment: This sequence change replaces serine, which is neutral and polar, with threonine, which is neutral and polar, at codon 1393 of the SMCHD1 protein (p.Ser1393Thr). This variant is present in population databases (rs369758530, gnomAD 0.003%). This variant has not been reported in the literature in individuals affected with SMCHD1-related conditions. ClinVar contains an entry for this variant (Variation ID: 498187). Invitae Evidence Modeling of protein sequence and biophysical properties (such as structural, functional, and spatial information, amino acid conservation, physicochemical variation, residue mobility, and thermodynamic stability) indicates that this missense variant is not expected to disrupt SMCHD1 protein function with a negative predictive value of 80%. In summary, the available evidence is currently insufficient to determine the role of this variant in disease. Therefore, it has been classified as a Variant of Uncertain Significance.

Eurofins Ntd Llc (ga)
Classification: Uncertain significance. Last evaluated: 2016-10-31. Review status: criteria provided, single submitter. Criteria: EGL Classification Definitions 2015. Collection method: clinical testing. Allele origin: germline. Observed: 1 variant allele, 1 heterozygote.

NM_015295.3(SMCHD1):c.4178G>C (p.Ser1393Thr)

Gene: SMCHD1 (structural maintenance of chromosomes flexible hinge domain containing 1; plus strand). Cytogenetic location: 18p11.32.
Variant type: single nucleotide variant.
Coding change: c.4178G>C on transcript NM_015295.3 (MANE Select); coding-DNA position 4178, G replaced by C.
Protein change: p.Ser1393Thr; replaces serine 1393 with threonine.
Molecular consequence: missense variant.
Genome position (GRCh38, 1-based): chr18:2,751,290, G>C. VCF-style: chr18-2751290-G-C. GRCh37 (hg19) VCF-style: chr18-2751288-G-C.
Other names: short protein forms S1393T.
Identifiers: ClinVar variation 498187 (VCV000498187.13), dbSNP rs369758530, ClinGen allele CA8871410.